The following is an entry in ClinVar:

NM_001365276.2(TNXB):c.2648G>A (p.Arg883Lys)

Gene: TNXB (tenascin XB; minus strand). Cytogenetic location: 6p21.33.
Variant type: single nucleotide variant.
Coding change: c.2648G>A on transcript NM_001365276.2 (MANE Select); coding-DNA position 2648, G replaced by A.
Protein change: p.Arg883Lys; replaces arginine 883 with lysine.
Molecular consequence: missense variant.
Genome position (GRCh38, 1-based): chr6:32,088,916, C>T on the plus strand (G>A on the coding strand, the complement: TNXB is on the minus strand). VCF-style: chr6-32088916-C-T. GRCh37 (hg19) VCF-style: chr6-32056693-C-T.
Other names: c.2648G>A, p.Arg883Lys (NM_019105.8); short protein forms R883K.
Identifiers: ClinVar variation 1794275 (VCV001794275.2), dbSNP rs1206967810, ClinGen allele CA363460833.

ClinVar aggregate classification (germline): Uncertain significance (1 of 4 stars; one submission).

Conditions:
Cardiovascular phenotype. Identifiers: MedGen CN230736.

Submission:

Ambry Genetics
Classification: Uncertain significance for Cardiovascular phenotype. Last evaluated: 2021-09-16. Review status: criteria provided, single submitter. Criteria: Ambry Variant Classification Scheme 2023. Collection method: clinical testing. Allele origin: germline.
Comment: The p.R883K variant (also known as c.2648G>A), located in coding exon 5 of the TNXB gene, results from a G to A substitution at nucleotide position 2648. The arginine at codon 883 is replaced by lysine, an amino acid with highly similar properties. This amino acid position is well conserved in available vertebrate species. In addition, this alteration is predicted to be tolerated by in silico analysis. Since supporting evidence is limited at this time, the clinical significance of this alteration remains unclear.